The following is an entry in ClinVar:

NM_171998.4(RAB39B):c.74T>A (p.Ile25Asn)

Gene: RAB39B (RAB39B, member RAS oncogene family; minus strand). Cytogenetic location: Xq28.
Variant type: single nucleotide variant.
Coding change: c.74T>A on transcript NM_171998.4 (MANE Select); coding-DNA position 74, T replaced by A.
Protein change: p.Ile25Asn; replaces isoleucine 25 with asparagine.
Molecular consequence: missense variant.
Genome position (GRCh38, 1-based): chrX:155,264,215, A>T on the plus strand (T>A on the coding strand, the complement: RAB39B is on the minus strand). VCF-style: chrX-155264215-A-T. GRCh37 (hg19) VCF-style: chrX-154493500-A-T.
Other names: short protein forms I25N.
Identifiers: ClinVar variation 5017600 (VCV005017600.1).

ClinVar aggregate classification (germline): Uncertain significance (1 of 4 stars; one submission).

Submission:

GeneDx
Classification: Uncertain significance. Last evaluated: 2026-03-26. Review status: criteria provided, single submitter. Criteria: GeneDx Variant Classification Process June 2021. Collection method: clinical testing. Allele origin: germline.
Comment: Not observed at significant frequency in large population cohorts (gnomAD); In silico analysis supports that this missense variant has a deleterious effect on protein structure/function; Has not been previously published as pathogenic or benign to our knowledge